The following is an entry in ClinVar:

ClinVar aggregate classification (germline): Uncertain significance (1 of 4 stars; one submission).

Submission:

GeneDx
Classification: Uncertain significance. Last evaluated: 2021-05-18. Review status: criteria provided, single submitter. Criteria: GeneDx Variant Classification Process June 2021. Collection method: clinical testing. Allele origin: germline. Affected: yes.
Comment: Has not been previously published as pathogenic or benign to our knowledge; Not observed in large population cohorts (Lek et al., 2016); In silico analysis, which includes protein predictors and evolutionary conservation, supports that this variant does not alter protein structure/function

NM_021625.5(TRPV4):c.1083C>A (p.Asn361Lys)

Gene: TRPV4 (transient receptor potential cation channel subfamily V member 4; minus strand). Cytogenetic location: 12q24.11.
Variant type: single nucleotide variant.
Coding change: c.1083C>A on transcript NM_021625.5 (MANE Select); coding-DNA position 1083, C replaced by A.
Protein change: p.Asn361Lys; replaces asparagine 361 with lysine.
Molecular consequence: missense variant.
Genome position (GRCh38, 1-based): chr12:109,798,683, G>T on the plus strand (C>A on the coding strand, the complement: TRPV4 is on the minus strand). VCF-style: chr12-109798683-G-T. GRCh37 (hg19) VCF-style: chr12-110236488-G-T.
Other names: c.942C>A, p.Asn314Lys (NM_001177428.2, NM_001177433.2); c.981C>A, p.Asn327Lys (NM_001177431.2); c.1083C>A, p.Asn361Lys (NM_147204.3); short protein forms N314K, N327K, N361K.
Identifiers: ClinVar variation 1320510 (VCV001320510.2), dbSNP rs2136518359, ClinGen allele CA386654258.